The following is an entry in ClinVar:

NM_000138.5(FBN1):c.5672-2A>G

Gene: FBN1 (fibrillin 1; minus strand). Cytogenetic location: 15q21.1.
Variant type: single nucleotide variant.
Coding change: c.5672-2A>G on transcript NM_000138.5 (MANE Select); the canonical splice acceptor site of the intron before coding-DNA position 5672, A replaced by G.
Molecular consequence: splice acceptor variant.
Genome position (GRCh38, 1-based): chr15:48,446,824, T>C on the plus strand (A>G on the coding strand, the complement: FBN1 is on the minus strand). VCF-style: chr15-48446824-T-C. GRCh37 (hg19) VCF-style: chr15-48739021-T-C.
Other names: c.5672-2A>G (NM_001406716.1).
Identifiers: ClinVar variation 406314 (VCV000406314.11), dbSNP rs1060501053, ClinGen allele CA16614415.

ClinVar aggregate classification (germline): Pathogenic (1 of 4 stars; one submission).

Conditions:
Marfan syndrome (MFS). Also called: Marfan syndrome, classic; Marfan syndrome type 1; Marfan's syndrome; MARFAN SYNDROME, TYPE I; FBN1-Related Marfan Syndrome. Identifiers: Orphanet 284963, Orphanet 558, MedGen C0024796, MONDO:0007947, OMIM 154700.
Familial thoracic aortic aneurysm and aortic dissection (TAAD). Also called: Thoracic aortic aneurysms and dissections. Identifiers: Orphanet 91387, MedGen C4707243, MONDO:0019625.

Submission:

Labcorp Genetics (formerly Invitae), Labcorp
Classification: Pathogenic for Marfan syndrome; Familial thoracic aortic aneurysm and aortic dissection. Last evaluated: 2023-08-17. Review status: criteria provided, single submitter. Criteria: Invitae Variant Classification Sherloc (09022015). Collection method: clinical testing. Allele origin: germline.
Comment: Disruption of this splice site has been observed in individual(s) with Marfan syndrome (Invitae). In at least one individual the variant was observed to be de novo. For these reasons, this variant has been classified as Pathogenic. Algorithms developed to predict the effect of sequence changes on RNA splicing suggest that this variant may disrupt the consensus splice site. ClinVar contains an entry for this variant (Variation ID: 406314). This variant is not present in population databases (gnomAD no frequency). This sequence change affects an acceptor splice site in intron 46 of the FBN1 gene. It is expected to disrupt RNA splicing. Variants that disrupt the donor or acceptor splice site typically lead to a loss of protein function (PMID: 16199547), and loss-of-function variants in FBN1 are known to be pathogenic (PMID: 17657824, 19293843).

Literature cited by the submitters: PubMed 16199547; PubMed 17657824; PubMed 19293843.